The following is an entry in ClinVar:

NM_005430.4(WNT1):c.937C>T (p.Arg313Cys)

Gene: WNT1 (Wnt family member 1; plus strand). Cytogenetic location: 12q13.12.
Variant type: single nucleotide variant.
Coding change: c.937C>T on transcript NM_005430.4 (MANE Select); coding-DNA position 937, C replaced by T.
Protein change: p.Arg313Cys; replaces arginine 313 with cysteine.
Molecular consequence: missense variant.
Genome position (GRCh38, 1-based): chr12:48,981,464, C>T. VCF-style: chr12-48981464-C-T. GRCh37 (hg19) VCF-style: chr12-49375247-C-T.
Other names: short protein forms R313C.
Identifiers: ClinVar variation 4887362 (VCV004887362.1).

ClinVar aggregate classification (germline): Uncertain significance (1 of 4 stars; one submission).

Submission:

Women's Health and Genetics/Laboratory Corporation of America, LabCorp
Classification: Uncertain significance. Last evaluated: 2026-06-10. Review status: criteria provided, single submitter. Criteria: LabCorp Variant Classification Summary - May 2015. Collection method: clinical testing. Allele origin: germline.
Comment: Variant summary: WNT1 c.937C>T (p.Arg313Cys) results in a non-conservative amino acid change in the encoded protein sequence. Algorithms developed to predict the effect of missense changes on protein structure and function all suggest that this variant is likely to be disruptive. The frequency data for this variant in gnomAD is considered unreliable, as metrics indicate poor data quality at this position. c.937C>T has been observed in individual(s) affected with Osteogenesis imperfecta (e.g. Lu_2018, Li_2019, Hu_2023). These data indicate that the variant may be associated with disease. At least one publication reports experimental evidence evaluating an impact on protein function. The most pronounced variant effect results in reduced activity in a luciferase reporter assay in HEK293 cells (Lu_2018). The following publications have been ascertained in the context of this evaluation (PMID: 36595228, 30715774, 29935254). No submitters have cited clinical-significance assessments for this variant to ClinVar. Based on the evidence outlined above, the variant was classified as VUS-possibly pathogenic.

Literature cited by the submitters: PubMed 30715774; PubMed 36595228; PubMed 29935254.